The following is an entry in ClinVar:

NM_004360.5(CDH1):c.2039C>T (p.Thr680Ile)

Gene: CDH1 (cadherin 1; plus strand). Cytogenetic location: 16q22.1.
Variant type: single nucleotide variant.
Coding change: c.2039C>T on transcript NM_004360.5 (MANE Select); coding-DNA position 2039, C replaced by T.
Protein change: p.Thr680Ile; replaces threonine 680 with isoleucine.
Molecular consequence: missense variant.
Genome position (GRCh38, 1-based): chr16:68,823,501, C>T. VCF-style: chr16-68823501-C-T. GRCh37 (hg19) VCF-style: chr16-68857404-C-T.
Other names: c.1856C>T, p.Thr619Ile (NM_001317184.2); c.491C>T, p.Thr164Ile (NM_001317185.2); c.74C>T, p.Thr25Ile (NM_001317186.2); short protein forms T164I, T25I, T680I, T619I.
Identifiers: ClinVar variation 2817583 (VCV002817583.3), dbSNP rs2152139426, ClinGen allele CA396467725.

ClinVar aggregate classification (germline): Uncertain significance (1 of 4 stars; one submission).

Conditions:
Hereditary diffuse gastric adenocarcinoma (HDGC). Also called: DIFFUSE GASTRIC AND LOBULAR BREAST CANCER SYNDROME. Identifiers: Orphanet 26106, MedGen C1708349, MONDO:0007648, OMIM 137215.

Submission:

Labcorp Genetics (formerly Invitae), Labcorp
Classification: Uncertain significance for Hereditary diffuse gastric adenocarcinoma. Last evaluated: 2023-08-08. Review status: criteria provided, single submitter. Criteria: Invitae Variant Classification Sherloc (09022015). Collection method: clinical testing. Allele origin: germline.
Comment: This sequence change replaces threonine, which is neutral and polar, with isoleucine, which is neutral and non-polar, at codon 680 of the CDH1 protein (p.Thr680Ile). This variant is not present in population databases (gnomAD no frequency). This variant has not been reported in the literature in individuals affected with CDH1-related conditions. An algorithm developed to predict the effect of missense changes on protein structure and function (PolyPhen-2) suggests that this variant is likely to be tolerated. In summary, the available evidence is currently insufficient to determine the role of this variant in disease. Therefore, it has been classified as a Variant of Uncertain Significance.